The following is an entry in ClinVar:

Conditions:
Breast-ovarian cancer, familial, susceptibility to, 1 (BROVCA1). Also called: BRCA1 Hereditary Breast and Ovarian Cancer; OVARIAN CANCER, SUSCEPTIBILITY TO. Identifiers: Orphanet 145, MedGen C2676676, MONDO:0011450, OMIM 604370. Disease mechanism: loss of function.

Submission:

Brotman Baty Institute, University of Washington
No classification provided (evidence only). Condition: Breast-ovarian cancer, familial 1. Review status: no classification provided. Collection method: in vitro. Allele origin: not applicable. Functional consequence: functionally_normal.
ClinVar note: "not provided" was previously submitted as the classification for the variant. However, the classification appeared to be based only on an observation of functional data so it was converted to no classification on 2025-07-30.

NM_007294.4(BRCA1):c.175T>C (p.Ser59Pro)

Gene: BRCA1 (BRCA1 DNA repair associated; minus strand). Cytogenetic location: 17q21.31.
Variant type: single nucleotide variant.
Coding change: c.175T>C on transcript NM_007294.4 (MANE Select); coding-DNA position 175, T replaced by C.
Protein change: p.Ser59Pro; replaces serine 59 with proline.
Molecular consequence: missense variant. On other transcripts: non-coding transcript variant (1).
Genome position (GRCh38, 1-based): chr17:43,106,493, A>G on the plus strand (T>C on the coding strand, the complement: BRCA1 is on the minus strand). VCF-style: chr17-43106493-A-G. GRCh37 (hg19) VCF-style: chr17-41258510-A-G.
Other names: c.175T>C, p.Ser59Pro (NM_001407976.1, NM_001407977.1, NM_001407978.1 and 168 more transcripts); c.34T>C, p.Ser12Pro (NM_001408410.1, NM_001408452.1, NM_001408453.1 and 99 more transcripts); c.-14T>C (NM_001408484.1, NM_001408485.1, NM_001408489.1 and 58 more transcripts); short protein forms S12P, S59P.
Identifiers: ClinVar variation 865224 (VCV000865224.3), dbSNP rs2054783250, ClinGen allele CA10601809.